The following is an entry in ClinVar:

NM_005618.4(DLL1):c.921G>A (p.Thr307=)

Gene: DLL1 (delta like canonical Notch ligand 1; minus strand). Cytogenetic location: 6q27.
Variant type: single nucleotide variant.
Coding change: c.921G>A on transcript NM_005618.4 (MANE Select); coding-DNA position 921, G replaced by A.
Protein change: p.Thr307=; no amino-acid change (threonine 307 retained).
Molecular consequence: synonymous variant.
Genome position (GRCh38, 1-based): chr6:170,285,365, C>T on the plus strand (G>A on the coding strand, the complement: DLL1 is on the minus strand). VCF-style: chr6-170285365-C-T. GRCh37 (hg19) VCF-style: chr6-170594453-C-T.
Identifiers: ClinVar variation 790320 (VCV000790320.35), dbSNP rs146627811, ClinGen allele CA4106980.
Genomic context (GRCh38, chr6:170,285,365, plus strand): 5'-CAGCTCGCAGGTGGCACCTGTGTACCCAGGCCGGCAAGAGCAAGTGTAGCTCCCCTGGCC[C>T]GTGTTGGTGCAGGTGGCTCCATTCTTGCAGGGCTTATGGTGTGTGCAGTAGTTCAGGTCT-3'
Protein context (NP_005609.3, residues 297-317): PCKNGATCTN[Thr307=]GQGSYTCSCR

ClinVar aggregate classification (germline): Likely benign. Review status: criteria provided, multiple submitters, no conflicts (2 of 4 stars). 4 submissions from 4 submitters: Likely benign (4). Last evaluated 2025-11-26.

Conditions:
DLL1-related disorder. Also called: DLL1-related condition.

Allele frequency attached by ClinVar (database versions not stated): 1000 Genomes Project 30x 0.00016; 1000 Genomes Project 0.00020; TOPMed 0.00069; ExAC 0.00073; ESP Exome Variant Server 0.00077; gnomAD 0.00085 and 0.00082; gnomAD exomes 0.00081.
gnomAD v4.1: 2,440 of 1,614,158 alleles (0.15%); highest among the groups gnomAD compares: Non-Finnish European, 0.2%; 7 homozygotes.

Submissions (4):

Labcorp Genetics (formerly Invitae), Labcorp
Classification: Likely benign. Last evaluated: 2025-11-26. Review status: criteria provided, single submitter. Criteria: Invitae Variant Classification Sherloc (09022015). Collection method: clinical testing. Allele origin: germline.

PreventionGenetics, part of Exact Sciences
Classification: Likely benign for DLL1-related condition. Last evaluated: 2025-02-14. Review status: criteria provided, single submitter. Criteria: ACMG Guidelines, 2015. Collection method: clinical testing. Allele origin: germline.
Comment: This variant is classified as likely benign based on ACMG/AMP sequence variant interpretation guidelines (Richards et al. 2015 PMID: 25741868, with internal and published modifications).

Blueprint Genetics
Classification: Likely benign. Last evaluated: 2024-11-12. Review status: criteria provided, single submitter. Criteria: ACMG Guidelines, 2015. Collection method: clinical testing. Allele origin: germline.

CeGaT Center for Human Genetics Tuebingen
Classification: Likely benign. Last evaluated: 2024-04-01. Review status: criteria provided, single submitter. Criteria: CeGaT Center For Human Genetics Tuebingen Variant Classification Criteria Version 2. Collection method: clinical testing. Allele origin: germline. Affected: yes. Observed: 5 variant alleles.
Comment: DLL1: BP4, BP7, BS1